The following is an entry in ClinVar:

ClinVar aggregate classification (germline): Likely pathogenic (1 of 4 stars; one submission).

Conditions:
Inborn genetic diseases. Identifiers: MedGen C0950123, MeSH D030342.

Submission:

Ambry Genetics
Classification: Likely pathogenic for Inborn genetic diseases. Last evaluated: 2025-02-26. Review status: criteria provided, single submitter. Criteria: Ambry Variant Classification Scheme 2023. Collection method: clinical testing. Allele origin: germline.
Comment: The c.103G>T (p.D35Y) alteration is located in exon 1 (coding exon 1) of the IDS gene. This alteration results from a G to T substitution at nucleotide position 103, causing the aspartic acid (D) at amino acid position 35 to be replaced by a tyrosine (Y). However, this change occurs in the last base pair of coding exon1, which makes it likely to have some effect on normal mRNA splicing. This variant was not reported in population-based cohorts in the Genome Aggregation Database (gnomAD). This nucleotide and amino acid positions are well conserved in available vertebrate species. The in silico prediction for this alteration is inconclusive, and in silico splice site analysis predicts that this alteration will weaken the native splice donor site. Based on the available evidence, this alteration is classified as likely pathogenic.

NM_000202.8(IDS):c.103G>T (p.Asp35Tyr)

Gene: IDS (iduronate 2-sulfatase; minus strand). Cytogenetic location: Xq28.
Variant type: single nucleotide variant.
Coding change: c.103G>T on transcript NM_000202.8 (MANE Select); coding-DNA position 103, G replaced by T.
Protein change: p.Asp35Tyr; replaces aspartic acid 35 with tyrosine.
Molecular consequence: missense variant. On other transcripts: 5 prime UTR variant (1), non-coding transcript variant (1).
Genome position (GRCh38, 1-based): chrX:149,505,035, C>A on the plus strand (G>T on the coding strand, the complement: IDS is on the minus strand). VCF-style: chrX-149505035-C-A. GRCh37 (hg19) VCF-style: chrX-148586565-C-A.
Other names: c.-124G>T (NM_001166550.4); c.103G>T, p.Asp35Tyr (NM_006123.5); short protein forms D35Y.
Identifiers: ClinVar variation 3859389 (VCV003859389.1).
Genomic context (GRCh38, chrX:149,505,035, plus strand): 5'-AAGGAGGAAGGAAGGGAGGGAGGAAGGGAGAAGAGATGGCAGGGAGGGCGTGGGCGGCAC[C>A]TGTGGTCGAGTTGGCCTGCGTTTCGGATCCGAGGGCGACGCAGACGGAGCTCAGAACCAG-3'
Protein context (NP_000193.1, residues 25-45): GSETQANSTT[Asp35Tyr]ALNVLLIIVD